The following is an entry in ClinVar:

NM_000045.4(ARG1):c.413G>T (p.Gly138Val)

Genes: ARG1 (arginase 1; plus strand), MED23 (mediator complex subunit 23; minus strand). Cytogenetic location: 6q23.2.
Variant type: single nucleotide variant.
Coding change: c.413G>T on transcript NM_000045.4 (MANE Select); coding-DNA position 413, G replaced by T.
Protein change: p.Gly138Val; replaces glycine 138 with valine.
Molecular consequence: missense variant. On other transcripts: non-coding transcript variant (1), intron variant (3).
Genome position (GRCh38, 1-based): chr6:131,581,326, G>T. VCF-style: chr6-131581326-G-T. GRCh37 (hg19) VCF-style: chr6-131902466-G-T.
Other names: c.437G>T, p.Gly146Val (NM_001244438.2); c.306-1734G>T (NM_001369020.1); c.4077+6383C>A (NM_001270521.2); c.4095+6383C>A (NM_015979.4); short protein forms G138V, G146V.
Identifiers: ClinVar variation 2394 (VCV000002394.7), dbSNP rs104893943, ClinGen allele CA339976.

ClinVar aggregate classification (germline): Uncertain significance. Review status: criteria provided, single submitter (1 of 4 stars). 2 submissions from 2 submitters: Uncertain significance (1). 1 of the submissions does not count toward it. Last evaluated 2024-01-02.

Conditions:
Arginase deficiency. Also called: ARG1 DEFICIENCY; Arginase 1 Deficiency; ARGININEMIA. Identifiers: Orphanet 90, MedGen C0268548, MONDO:0008814, OMIM 207800.

Allele frequency attached by ClinVar (database versions not stated): TOPMed below 0.00001; gnomAD 0.00001.
gnomAD v4.1: 1 of 1,613,782 alleles (0.000062%); highest among the groups gnomAD compares: African/African-American, 0.0013%; no homozygotes.

Submissions (2):

Labcorp Genetics (formerly Invitae), Labcorp
Classification: Uncertain significance for Arginase deficiency. Last evaluated: 2024-01-02. Review status: criteria provided, single submitter. Criteria: Invitae Variant Classification Sherloc (09022015). Collection method: clinical testing. Allele origin: germline.
Comment: This sequence change replaces glycine, which is neutral and non-polar, with valine, which is neutral and non-polar, at codon 138 of the ARG1 protein (p.Gly138Val). This variant is not present in population databases (gnomAD no frequency). This missense change has been observed in individual(s) with arginase deficiency (PMID: 7649538). ClinVar contains an entry for this variant (Variation ID: 2394). Advanced modeling of protein sequence and biophysical properties (such as structural, functional, and spatial information, amino acid conservation, physicochemical variation, residue mobility, and thermodynamic stability) performed at Invitae indicates that this missense variant is expected to disrupt ARG1 protein function with a positive predictive value of 80%. In summary, the available evidence is currently insufficient to determine the role of this variant in disease. Therefore, it has been classified as a Variant of Uncertain Significance.

OMIM
Classification: Pathogenic for ARGININEMIA. Last evaluated: 1995-09-01. Review status: no assertion criteria provided. Collection method: literature only. Allele origin: germline. Not counted in ClinVar's aggregate classification.

Literature cited by the submitters: PubMed 7649538 (cited by Labcorp Genetics (formerly Invitae), Labcorp and OMIM).